The following is an entry in ClinVar:

ClinVar aggregate classification (germline): Uncertain significance (1 of 4 stars; one submission).

Conditions:
Developmental and epileptic encephalopathy, 33 (DEE33). Also called: Epileptic encephalopathy, early infantile, 33. Identifiers: Orphanet 442835, MedGen C4225337, MONDO:0014625, OMIM 616409.

Submission:

Labcorp Genetics (formerly Invitae), Labcorp
Classification: Uncertain significance for Developmental and epileptic encephalopathy, 33. Last evaluated: 2022-10-22. Review status: criteria provided, single submitter. Criteria: Invitae Variant Classification Sherloc (09022015). Collection method: clinical testing. Allele origin: germline.
Comment: A gross deletion of the genomic region encompassing the full coding sequence of the EEF1A2 gene has been identified. The current clinical and genetic evidence is not sufficient to establish whether loss-of-function variants in EEF1A2 cause disease. The boundaries of this event are unknown as they extend beyond the assayed region for this gene and therefore may encompass additional genes. Isolated whole-gene deletions of EEF1A2 have not been reported in the literature. However, larger copy number events that include this gene have been reported (PMID: 17290276, 20805988, 23166088, 26030193). In summary, the available evidence is currently insufficient to determine the role of this variant in disease. Therefore, it has been classified as a Variant of Uncertain Significance.

Literature cited by the submitters: PubMed 17290276; PubMed 20805988; PubMed 23166088; PubMed 26030193.

NC_000020.10:g.(?_62119651)_(62159505_?)del

Genes: EEF1A2 (eukaryotic translation elongation factor 1 alpha 2; minus strand), PPDPF (pancreatic progenitor cell differentiation and proliferation factor; plus strand). Cytogenetic location: 20q13.33.
Variant type: Deletion.
Identifiers: ClinVar variation 2424332 (VCV002424332.5).